The following is an entry in ClinVar:

ClinVar aggregate classification (germline): Likely benign (1 of 4 stars; one submission).

Allele frequency attached by ClinVar (database versions not stated): gnomAD exomes below 0.00001.

Submission:

GeneDx
Classification: Likely benign. Last evaluated: 2018-05-12. Review status: criteria provided, single submitter. Criteria: GeneDx Variant Classification (06012015). Collection method: clinical testing. Allele origin: germline. Affected: yes.
Comment: This variant is considered likely benign or benign based on one or more of the following criteria: it is a conservative change, it occurs at a poorly conserved position in the protein, it is predicted to be benign by multiple in silico algorithms, and/or has population frequency not consistent with disease.

NM_002700.3(POU4F3):c.645C>G (p.Leu215=)

Genes: POU4F3 (POU class 4 homeobox 3; plus strand), RBM27-POU4F3 (RBM27-POU4F3 readthrough; plus strand). Cytogenetic location: 5q32.
Variant type: single nucleotide variant.
Coding change: c.645C>G on transcript NM_002700.3 (MANE Select); coding-DNA position 645, C replaced by G.
Protein change: p.Leu215=; no amino-acid change (leucine 215 retained).
Molecular consequence: synonymous variant.
Genome position (GRCh38, 1-based): chr5:146,340,072, C>G. VCF-style: chr5-146340072-C-G. GRCh37 (hg19) VCF-style: chr5-145719635-C-G.
Identifiers: ClinVar variation 668207 (VCV000668207.1), dbSNP rs1581278658, ClinGen allele CA447097863.
Genomic context (GRCh38, chr5:146,340,072, plus strand): 5'-GCAGCGGCGCATCAAGCTGGGGGTGACCCAGGCGGACGTGGGCGCGGCTCTGGCTAATCT[C>G]AAGATCCCCGGCGTGGGCTCGCTGAGCCAAAGCACCATCTGCAGGTTCGAGTCTCTCACT-3'
Protein context (NP_002691.1, residues 205-225): QADVGAALAN[Leu215=]KIPGVGSLSQ